The following is an entry in ClinVar:

NM_001164508.2(NEB):c.13399A>T (p.Lys4467Ter)

Gene: NEB (nebulin; minus strand). Cytogenetic location: 2q23.3.
Variant type: single nucleotide variant.
Coding change: c.13399A>T on transcript NM_001164508.2 (MANE Select); coding-DNA position 13399, A replaced by T.
Protein change: p.Lys4467Ter; replaces lysine 4467 with a stop codon.
Molecular consequence: nonsense. On other transcripts: intron variant (1).
Genome position (GRCh38, 1-based): chr2:151,601,978, T>A on the plus strand (A>T on the coding strand, the complement: NEB is on the minus strand). VCF-style: chr2-151601978-T-A. GRCh37 (hg19) VCF-style: chr2-152458492-T-A.
Other names: c.13399A>T, p.Lys4467Ter (NM_001164507.2, NM_001271208.2); c.11601+7831A>T (NM_004543.5); short protein forms K4467*.
Identifiers: ClinVar variation 2118761 (VCV002118761.4), dbSNP rs2552220873, ClinGen allele CA348769442.
Genomic context (GRCh38, chr2:151,601,978, plus strand): 5'-TGGAAGCCTTGGCATGCTGGATCCCAATGGCATCTGCTCGCAGGTCATAACCAGTCATCT[T>A]GACATCTTCCCAAGCTTGCTGATAGCGTTTCTGCAAACAGAGAGTGCAATGCCACAGTCA-3'

ClinVar aggregate classification (germline): Pathogenic (1 of 4 stars; one submission).

Conditions:
Nemaline myopathy 2 (NEM2). Also called: Nemaline myopathy 2, autosomal recessive. Identifiers: MedGen C1850569, MONDO:0009725, OMIM 256030.

Submission:

Labcorp Genetics (formerly Invitae), Labcorp
Classification: Pathogenic for Nemaline myopathy 2. Last evaluated: 2022-03-28. Review status: criteria provided, single submitter. Criteria: Invitae Variant Classification Sherloc (09022015). Collection method: clinical testing. Allele origin: germline.
Comment: This variant occurs in a region of NEB (Exons 82-105) consisting of three highly homologous 8-exon repeat units (exons 82-89, exons 90-97, exons 98-105). Sequence variants in this region can be detected, but this assay cannot determine which of the three repeat units is affected, and zygosity is often ambiguous. All variants in this region are reported relative to the exon 82-89 repeat. For these reasons, this variant has been classified as Pathogenic. This variant has not been reported in the literature in individuals affected with NEB-related conditions. The frequency data for this variant in the population databases (gnomAD) is considered unreliable due to the presence of homologous sequence, such as pseudogenes or paralogs, in the genome. This sequence change creates a premature translational stop signal (p.Lys4467*) in the NEB gene. It is expected to result in an absent or disrupted protein product. Loss-of-function variants in NEB are known to be pathogenic (PMID: 25205138).

Literature cited by the submitters: PubMed 25205138.